The following is an entry in ClinVar:

ClinVar aggregate classification (germline): Likely pathogenic (1 of 4 stars; one submission).

Conditions:
Epidermolysis bullosa simplex 2B, generalized intermediate (EBS2B). Also called: Epidermolysis bullosa simplex 2B, Koebner type. Identifiers: MedGen C5562009, MONDO:0030525, OMIM 619588.

Submission:

Medical Genetics UMG, Mater Domini University Hospital/ Magna Graecia University of Catanzaro
Classification: Likely pathogenic for Epidermolysis bullosa simplex 2B, generalized intermediate. Review status: criteria provided, single submitter. Criteria: ACMG Guidelines, 2015. Collection method: clinical testing. Allele origin: germline. Inheritance: Autosomal dominant inheritance. Affected: yes. Observed: 5 variant alleles, 5 heterozygotes.
Comment: The variant c.967G>A (p.Val323Met) is a missense variant deleterious for prediction algorithms. The variant is absent in gnomAD database. The variant is in the L12 linker domain, a hot-spot region of KRT5. Two pathogenic variants, Val323Gly (PMID: 21375516) and Val323Ala (PMID: 9740251), at the same amino acid residue of KRT5, were associated with EBS. The variant was found in five members affected by EBS, in two generations of a single family.

Literature cited by the submitters: PubMed 34680898.

NM_000424.4(KRT5):c.967G>A (p.Val323Met)

Gene: KRT5 (keratin 5; minus strand). Cytogenetic location: 12q13.13.
Variant type: single nucleotide variant.
Coding change: c.967G>A on transcript NM_000424.4 (MANE Select); coding-DNA position 967, G replaced by A.
Protein change: p.Val323Met; replaces valine 323 with methionine.
Molecular consequence: missense variant.
Genome position (GRCh38, 1-based): chr12:52,517,715, C>T on the plus strand (G>A on the coding strand, the complement: KRT5 is on the minus strand). VCF-style: chr12-52517715-C-T. GRCh37 (hg19) VCF-style: chr12-52911499-C-T.
Other names: p.Val323Met; short protein forms V323M.
Identifiers: ClinVar variation 1704289 (VCV001704289.1), dbSNP rs2498519756, ClinGen allele CA384926649.